The following is an entry in ClinVar:

NM_005763.4(AASS):c.1345A>C (p.Ile449Leu)

Gene: AASS (aminoadipate-semialdehyde synthase; minus strand). Cytogenetic location: 7q31.32.
Variant type: single nucleotide variant.
Coding change: c.1345A>C on transcript NM_005763.4 (MANE Select); coding-DNA position 1345, A replaced by C.
Protein change: p.Ile449Leu; replaces isoleucine 449 with leucine.
Molecular consequence: missense variant.
Genome position (GRCh38, 1-based): chr7:122,101,432, T>G on the plus strand (A>C on the coding strand, the complement: AASS is on the minus strand). VCF-style: chr7-122101432-T-G. GRCh37 (hg19) VCF-style: chr7-121741486-T-G.
Other names: c.1345A>C (NM_005763.3); short protein forms I449L.
Identifiers: ClinVar variation 2957962 (VCV002957962.5), dbSNP rs768275798, ClinGen allele CA4458382.

ClinVar aggregate classification (germline): Conflicting classifications of pathogenicity. Review status: criteria provided, conflicting classifications (1 of 4 stars). 3 submissions from 3 submitters: Uncertain significance (2); Likely benign (1). Last evaluated 2025-12-08.

Conditions:
Hyperlysinemia. Also called: Hyperlysinemias. Identifiers: Orphanet 2203, MedGen C0268553, MONDO:0009388, HP:0002161.
Inborn genetic diseases. Identifiers: MedGen C0950123, MeSH D030342.

Allele frequency attached by ClinVar (database versions not stated): gnomAD 0.00001; ExAC 0.00006.
gnomAD v4.1: 41 of 1,609,670 alleles (0.0025%); highest among the groups gnomAD compares: South Asian, 0.038%; no homozygotes.

Submissions (3):

Ambry Genetics
Classification: Uncertain significance for Inborn genetic diseases. Last evaluated: 2025-12-08. Review status: criteria provided, single submitter. Criteria: Ambry Variant Classification Scheme 2023. Collection method: clinical testing. Allele origin: germline.

Dr.Nikuei Genetic Center
Classification: Likely benign for HYPERLYSINEMIA, TYPE I. Last evaluated: 2024-06-21. Review status: criteria provided, single submitter. Criteria: ACMG Guidelines, 2015. Collection method: clinical testing. Allele origin: germline. Affected: no.

Labcorp Genetics (formerly Invitae), Labcorp
Classification: Uncertain significance. Last evaluated: 2023-01-01. Review status: criteria provided, single submitter. Criteria: Invitae Variant Classification Sherloc (09022015). Collection method: clinical testing. Allele origin: germline.
Comment: In summary, the available evidence is currently insufficient to determine the role of this variant in disease. Therefore, it has been classified as a Variant of Uncertain Significance. Advanced modeling of protein sequence and biophysical properties (such as structural, functional, and spatial information, amino acid conservation, physicochemical variation, residue mobility, and thermodynamic stability) performed at Invitae indicates that this missense variant is not expected to disrupt AASS protein function. This variant has not been reported in the literature in individuals affected with AASS-related conditions. This variant is present in population databases (rs768275798, gnomAD 0.04%). This sequence change replaces isoleucine, which is neutral and non-polar, with leucine, which is neutral and non-polar, at codon 449 of the AASS protein (p.Ile449Leu).